The following is an entry in ClinVar:

NM_001036.6(RYR3):c.10503-21C>T

Gene: RYR3 (ryanodine receptor 3; plus strand). Cytogenetic location: 15q14.
Variant type: single nucleotide variant.
Coding change: c.10503-21C>T on transcript NM_001036.6 (MANE Select); 21 bases into the intron before coding-DNA position 10503, C replaced by T.
Molecular consequence: intron variant.
Genome position (GRCh38, 1-based): chr15:33,816,841, C>T. VCF-style: chr15-33816841-C-T. GRCh37 (hg19) VCF-style: chr15-34109042-C-T.
Other names: c.10488-21C>T (NM_001243996.4).
Identifiers: ClinVar variation 4293590 (VCV004293590.1).
Genomic context (GRCh38, chr15:33,816,841, plus strand): 5'-CTTACTAACCATTAACTGCCCAAACTAAAAGAACAAGTTCCATGGATCCCTCTTGACCTC[C>T]CTCTCACCCCTTCCGCTCAGGCACCGCTCTATTAACCTCTTCCTCCATGGCTATCAGAGA-3'

ClinVar aggregate classification (germline): Uncertain significance (1 of 4 stars; one submission).

Conditions:
Congenital myopathy 20 (CMYO20). Identifiers: MedGen C5830393, MONDO:0957215, OMIM 620310.

gnomAD v4.1: 3 of 1,553,494 alleles (0.00019%); highest among the groups gnomAD compares: African/African-American, 0.0014%; no homozygotes.

Submission:

3billion
Classification: Uncertain significance for Congenital myopathy 20. Last evaluated: 2024-11-25. Review status: criteria provided, single submitter. Criteria: ACMG Guidelines, 2015. Collection method: clinical testing. Allele origin: germline. Affected: yes.
Comment: The variant is observed at an extremely low frequency in the gnomAD v4.1.0 dataset (total allele frequency: <0.001%). Predicted Consequence/Location: Intron variant In silico tools predict the variant to alter splicing and produce an abnormal transcript [SpliceAI: 0.34 (>=0.2, moderate evidence for spliceogenicity)]. Therefore, this variant is classified as VUS according to the recommendation of ACMG/AMP guideline.